The following is an entry in ClinVar:

NM_000138.5(FBN1):c.8075T>C (p.Met2692Thr)

Gene: FBN1 (fibrillin 1; minus strand). Cytogenetic location: 15q21.1.
Variant type: single nucleotide variant.
Coding change: c.8075T>C on transcript NM_000138.5 (MANE Select); coding-DNA position 8075, T replaced by C.
Protein change: p.Met2692Thr; replaces methionine 2692 with threonine.
Molecular consequence: missense variant.
Genome position (GRCh38, 1-based): chr15:48,412,720, A>G on the plus strand (T>C on the coding strand, the complement: FBN1 is on the minus strand). VCF-style: chr15-48412720-A-G. GRCh37 (hg19) VCF-style: chr15-48704917-A-G.
Other names: c.8075T>C, p.Met2692Thr (NM_001406716.1); short protein forms M2692T.
Identifiers: ClinVar variation 3071720 (VCV003071720.4), dbSNP rs2505375793, ClinGen allele CA392321586.
Genomic context (GRCh38, chr15:48,412,720, plus strand): 5'-GGGGAGAGTGAATTGTCATCCATTTCACCACTGACAGGTGGCTCTGGGTTTCCTCGGCCC[A>G]TGCCCATTCCAGAAACACAGTGCCTGCAGCAGAAGGGGAGCATAGATGTTTTTCATTAGA-3'
Protein context (NP_000129.3, residues 2682-2702): GQGHCVSGMG[Met2692Thr]GRGNPEPPVS

ClinVar aggregate classification (germline): Uncertain significance. Review status: criteria provided, multiple submitters, no conflicts (2 of 4 stars). 3 submissions from 3 submitters: Uncertain significance (3). Last evaluated 2024-07-27.

Conditions:
Marfan syndrome (MFS). Also called: MARFAN SYNDROME, TYPE I; Marfan syndrome type 1; Marfan's syndrome; Marfan syndrome, classic; FBN1-Related Marfan Syndrome. Identifiers: Orphanet 284963, Orphanet 558, MedGen C0024796, MONDO:0007947, OMIM 154700.
Familial thoracic aortic aneurysm and aortic dissection (TAAD). Also called: Thoracic aortic aneurysms and dissections. Identifiers: Orphanet 91387, MedGen C4707243, MONDO:0019625.

Submissions (3):

Labcorp Genetics (formerly Invitae), Labcorp
Classification: Uncertain significance for Marfan syndrome; Familial thoracic aortic aneurysm and aortic dissection. Last evaluated: 2024-07-27. Review status: criteria provided, single submitter. Criteria: Invitae Variant Classification Sherloc (09022015). Collection method: clinical testing. Allele origin: germline.
Comment: This sequence change replaces methionine, which is neutral and non-polar, with threonine, which is neutral and polar, at codon 2692 of the FBN1 protein (p.Met2692Thr). This variant is not present in population databases (gnomAD no frequency). This variant has not been reported in the literature in individuals affected with FBN1-related conditions. Advanced modeling of protein sequence and biophysical properties (such as structural, functional, and spatial information, amino acid conservation, physicochemical variation, residue mobility, and thermodynamic stability) performed at Invitae indicates that this missense variant is not expected to disrupt FBN1 protein function with a negative predictive value of 95%. In summary, the available evidence is currently insufficient to determine the role of this variant in disease. Therefore, it has been classified as a Variant of Uncertain Significance.

All of Us Research Program, National Institutes of Health
Classification: Uncertain significance for Marfan syndrome. Last evaluated: 2023-06-28. Review status: criteria provided, single submitter. Criteria: ACMG Guidelines, 2015. Collection method: clinical testing. Allele origin: germline. Inheritance: Autosomal dominant inheritance. Observed: 1 variant allele, 1 heterozygote.
Comment: This study involves interpretation of variants in research participants for the purpose of population health screening. Participant phenotype was not available at the time of variant classification. Additional details can be found in publication PMID: 35346344, PMCID: PMC8962531

Blueprint Genetics
Classification: Uncertain significance. Last evaluated: 2022-12-21. Review status: criteria provided, single submitter. Criteria: ACMG Guidelines, 2015. Collection method: clinical testing. Allele origin: germline.